The following is an entry in ClinVar:

ClinVar aggregate classification (germline): Uncertain significance. Review status: criteria provided, multiple submitters, no conflicts (2 of 4 stars). 2 submissions from 2 submitters: Uncertain significance (2). Last evaluated 2024-04-25.

Conditions:
Cardiovascular phenotype. Identifiers: MedGen CN230736.
Alstrom syndrome (ALMS). Identifiers: Orphanet 64, MedGen C0268425, MONDO:0008763, OMIM 203800.

gnomAD v4.1: 1 of 1,614,032 alleles (0.000062%); highest among the groups gnomAD compares: Non-Finnish European, 0.000085%; no homozygotes.

Submissions (2):

Ambry Genetics
Classification: Uncertain significance for Cardiovascular phenotype. Last evaluated: 2024-04-25. Review status: criteria provided, single submitter. Criteria: Ambry Variant Classification Scheme 2023. Collection method: clinical testing. Allele origin: germline.
Comment: The p.G3666V variant (also known as c.10997G>T), located in coding exon 16 of the ALMS1 gene, results from a G to T substitution at nucleotide position 10997. The glycine at codon 3666 is replaced by valine, an amino acid with dissimilar properties. This amino acid position is poorly conserved in available vertebrate species. In addition, the in silico prediction for this alteration is inconclusive. Based on the available evidence, the clinical significance of this variant remains unclear.

Labcorp Genetics (formerly Invitae), Labcorp
Classification: Uncertain significance for Alstrom syndrome. Last evaluated: 2022-07-12. Review status: criteria provided, single submitter. Criteria: Invitae Variant Classification Sherloc (09022015). Collection method: clinical testing. Allele origin: germline.
Comment: This sequence change replaces glycine, which is neutral and non-polar, with valine, which is neutral and non-polar, at codon 3666 of the ALMS1 protein (p.Gly3666Val). This variant is not present in population databases (gnomAD no frequency). This variant has not been reported in the literature in individuals affected with ALMS1-related conditions. Experimental studies and prediction algorithms are not available or were not evaluated, and the functional significance of this variant is currently unknown. In summary, the available evidence is currently insufficient to determine the role of this variant in disease. Therefore, it has been classified as a Variant of Uncertain Significance.

NM_001378454.1(ALMS1):c.10994G>T (p.Gly3665Val)

Gene: ALMS1 (ALMS1 centrosome and basal body associated protein; plus strand). Cytogenetic location: 2p13.1.
Variant type: single nucleotide variant.
Coding change: c.10994G>T on transcript NM_001378454.1 (MANE Select); coding-DNA position 10994, G replaced by T.
Protein change: p.Gly3665Val; replaces glycine 3665 with valine.
Molecular consequence: missense variant.
Genome position (GRCh38, 1-based): chr2:73,572,871, G>T. VCF-style: chr2-73572871-G-T. GRCh37 (hg19) VCF-style: chr2-73799998-G-T.
Other names: c.10997G>T, p.Gly3666Val (NM_015120.4); short protein forms G3666V, G3665V.
Identifiers: ClinVar variation 2073280 (VCV002073280.2), dbSNP rs1028879206, ClinGen allele CA347286738.
Genomic context (GRCh38, chr2:73,572,871, plus strand): 5'-AGGTCTCAGAAAGTACACATGATGATAGCAGAGGGGAACGAAGTGTGAAGGAATGGAGTG[G>T]TAGACAACAGCAGAGAAATAAGCTTCAGAAAAAGAAGCGGTTTAAAAGCCTAGAGAAAAG-3'
Protein context (NP_001365383.1, residues 3655-3675): RGERSVKEWS[Gly3665Val]RQQQRNKLQK